The following is an entry in ClinVar:

ClinVar aggregate classification (germline): Uncertain significance. Review status: criteria provided, multiple submitters, no conflicts (2 of 4 stars). 3 submissions from 3 submitters: Uncertain significance (2). 1 of the submissions does not count toward it. Last evaluated 2024-08-01.

Conditions:
Hereditary cancer-predisposing syndrome. Also called: Neoplastic Syndromes, Hereditary; Tumor predisposition; Hereditary Cancer Syndrome; Hereditary neoplastic syndrome. Identifiers: Orphanet 140162, MedGen C0027672, MeSH D009386, MONDO:0015356.
Ataxia-telangiectasia syndrome (AT). Also called: Ataxia-telangiectasia, complementation group E; LOUIS-BAR SYNDROME; AT, COMPLEMENTATION GROUP C; Cerebello-oculocutaneous telangiectasia; Immunodeficiency with ataxia telangiectasia; ATAXIA-TELANGIECTASIA, COMPLEMENTATION GROUP A. Identifiers: Orphanet 100, MedGen C0004135, MONDO:0008840, OMIM 208900.
Mantle cell lymphoma. Identifiers: Orphanet 52416, MedGen C4721414, MONDO:0018876.

Submissions (3):

Ambry Genetics
Classification: Uncertain significance for Hereditary cancer-predisposing syndrome. Last evaluated: 2024-08-01. Review status: criteria provided, single submitter. Criteria: Ambry Variant Classification Scheme 2023. Collection method: clinical testing. Allele origin: germline.
Comment: The p.E2423G variant (also known as c.7268A>G), located in coding exon 48 of the ATM gene, results from an A to G substitution at nucleotide position 7268. The glutamic acid at codon 2423 is replaced by glycine, an amino acid with similar properties. This amino acid position is highly conserved in available vertebrate species. In addition, the in silico prediction for this alteration is inconclusive. Based on the available evidence, the clinical significance of this variant remains unclear.

Labcorp Genetics (formerly Invitae), Labcorp
Classification: Uncertain significance for Ataxia-telangiectasia syndrome. Last evaluated: 2024-02-15. Review status: criteria provided, single submitter. Criteria: Invitae Variant Classification Sherloc (09022015). Collection method: clinical testing. Allele origin: germline.
Comment: This sequence change replaces glutamic acid, which is acidic and polar, with glycine, which is neutral and non-polar, at codon 2423 of the ATM protein (p.Glu2423Gly). This variant is not present in population databases (gnomAD no frequency). This variant has not been reported in the literature in individuals affected with ATM-related conditions. ClinVar contains an entry for this variant (Variation ID: 3039). An algorithm developed to predict the effect of missense changes on protein structure and function (PolyPhen-2) suggests that this variant is likely to be disruptive. In summary, the available evidence is currently insufficient to determine the role of this variant in disease. Therefore, it has been classified as a Variant of Uncertain Significance.

OMIM
Classification: Pathogenic for MANTLE CELL LYMPHOMA. Last evaluated: 2000-03-14. Review status: no assertion criteria provided. Collection method: literature only. Allele origin: germline. Not counted in ClinVar's aggregate classification.

Literature cited by the submitters: PubMed 10706620 (cited by OMIM).

NM_000051.4(ATM):c.7268A>G (p.Glu2423Gly)

Genes: ATM (ATM serine/threonine kinase; plus strand), C11orf65 (chromosome 11 open reading frame 65; minus strand). Cytogenetic location: 11q22.3.
Variant type: single nucleotide variant.
Coding change: c.7268A>G on transcript NM_000051.4 (MANE Select); coding-DNA position 7268, A replaced by G.
Protein change: p.Glu2423Gly; replaces glutamic acid 2423 with glycine.
Molecular consequence: missense variant. On other transcripts: intron variant (2).
Genome position (GRCh38, 1-based): chr11:108,329,199, A>G. VCF-style: chr11-108329199-A-G. GRCh37 (hg19) VCF-style: chr11-108199926-A-G.
Other names: c.7268A>G, p.Glu2423Gly (NM_001351834.2); c.641-20128T>C (NM_001330368.2); c.*38+6021T>C (NM_001351110.2); short protein forms E2423G.
Identifiers: ClinVar variation 3039 (VCV000003039.7), dbSNP rs121434221, ClinGen allele CA115943.